The following is an entry in ClinVar:

ClinVar aggregate classification (germline): Pathogenic (1 of 4 stars; one submission).

Conditions:
Familial thoracic aortic aneurysm and aortic dissection (TAAD). Also called: Thoracic aortic aneurysms and dissections. Identifiers: Orphanet 91387, MedGen C4707243, MONDO:0019625.
Marfan syndrome (MFS). Also called: FBN1-Related Marfan Syndrome; Marfan's syndrome; MARFAN SYNDROME, TYPE I; Marfan syndrome type 1; Marfan syndrome, classic. Identifiers: Orphanet 284963, Orphanet 558, MedGen C0024796, MONDO:0007947, OMIM 154700.

Submission:

Labcorp Genetics (formerly Invitae), Labcorp
Classification: Pathogenic for Marfan syndrome; Familial thoracic aortic aneurysm and aortic dissection. Last evaluated: 2019-12-22. Review status: criteria provided, single submitter. Criteria: Invitae Variant Classification Sherloc (09022015). Collection method: clinical testing. Allele origin: germline.
Comment: For these reasons, this variant has been classified as Pathogenic. This sequence change creates a premature translational stop signal (p.Arg122Phefs*4) in the FBN1 gene. It is expected to result in an absent or disrupted protein product. This variant is not present in population databases (ExAC no frequency). This variant has not been reported in the literature in individuals with FBN1-related conditions. Loss-of-function variants in FBN1 are known to be pathogenic (PMID: 17657824, 19293843).

Literature cited by the submitters: PubMed 17657824; PubMed 19293843.

NM_000138.5(FBN1):c.362_363dup (p.Arg122fs)

Gene: FBN1 (fibrillin 1; minus strand). Cytogenetic location: 15q21.1.
Variant type: Duplication.
Coding change: c.362_363dup on transcript NM_000138.5 (MANE Select); coding-DNA positions 362 to 363, 2 bases duplicated (TT; older notation c.362_363dupTT).
Protein change: p.Arg122fs; shifts the reading frame from arginine 122.
Molecular consequence: frameshift variant.
Genome position (GRCh38, 1-based): chr15:48,600,218-48,600,219, AA duplicated on the plus strand (TT on the coding strand, the reverse complement: FBN1 is on the minus strand). VCF-style (leftmost placement, unchanged base first): chr15-48600217-G-GAA. GRCh37 (hg19) VCF-style: chr15-48892414-G-GAA.
Other names: short protein forms R122fs.
Identifiers: ClinVar variation 848459 (VCV000848459.8), dbSNP rs2044551389, ClinGen allele CA916082421.
Genomic context (GRCh38, chr15:48,600,217, plus strand): 5'-CTATGTATCCTTTCTGGCATAGACAGTGATCGTCACTGCAGCTACCTCCATTCATACAGC[G>GAA]AATATTGCAGTGTTGTACTTGAAAAAAAAGAAGAAGAATTCACTTTTGCAACTTAAATGC-3'